The following is an entry in ClinVar:

NM_000059.4(BRCA2):c.1909+4C>A

Gene: BRCA2 (BRCA2 DNA repair associated; plus strand). Cytogenetic location: 13q13.1.
Variant type: single nucleotide variant.
Coding change: c.1909+4C>A on transcript NM_000059.4 (MANE Select); 4 bases into the intron after coding-DNA position 1909, C replaced by A.
Molecular consequence: intron variant.
Genome position (GRCh38, 1-based): chr13:32,333,391, C>A. VCF-style: chr13-32333391-C-A. GRCh37 (hg19) VCF-style: chr13-32907528-C-A.
Identifiers: ClinVar variation 935271 (VCV000935271.14), dbSNP rs768978701, ClinGen allele CA1139663126.

ClinVar aggregate classification (germline): Conflicting classifications of pathogenicity. Review status: criteria provided, conflicting classifications (1 of 4 stars). 4 submissions from 4 submitters: Uncertain significance (1); Likely benign (3). Last evaluated 2025-06-14.

Conditions:
Hereditary cancer-predisposing syndrome. Also called: Tumor predisposition; Hereditary neoplastic syndrome; Neoplastic Syndromes, Hereditary; Hereditary Cancer Syndrome. Identifiers: Orphanet 140162, MedGen C0027672, MeSH D009386, MONDO:0015356.
Hereditary breast ovarian cancer syndrome. Also called: Hereditary breast and ovarian cancer; Hereditary breast and ovarian cancer syndrome (HBOC); BRCA1- and BRCA2-Associated Hereditary Breast and Ovarian Cancer; Breast and ovarian cancer; Hereditary breast and ovarian cancer syndrome; Hereditary breast and/or ovarian cancer syndrome. Identifiers: Orphanet 145, MedGen C0677776, MeSH D061325, MONDO:0003582. Disease mechanism: loss of function.
Breast-ovarian cancer, familial, susceptibility to, 2 (BROVCA2). Also called: BRCA2 Hereditary Breast and Ovarian Cancer. Identifiers: Orphanet 145, MedGen C2675520, MONDO:0012933, OMIM 612555. Disease mechanism: loss of function.

Submissions (4):

Labcorp Genetics (formerly Invitae), Labcorp
Classification: Likely benign for Hereditary breast ovarian cancer syndrome. Last evaluated: 2025-06-14. Review status: criteria provided, single submitter. Criteria: Invitae Variant Classification Sherloc (09022015). Collection method: clinical testing. Allele origin: germline.

Ambry Genetics
Classification: Likely benign for Hereditary cancer-predisposing syndrome. Last evaluated: 2023-07-20. Review status: criteria provided, single submitter. Criteria: Ambry Variant Classification Scheme 2023. Collection method: clinical testing. Allele origin: germline.

All of Us Research Program, National Institutes of Health
Classification: Uncertain significance for Breast-ovarian cancer, familial, susceptibility to, 2. Last evaluated: 2023-05-04. Review status: criteria provided, single submitter. Criteria: ACMG Guidelines, 2015. Collection method: clinical testing. Allele origin: germline. Inheritance: Autosomal dominant inheritance. Observed: 1 variant allele, 1 heterozygote.
Comment: This variant causes a C to A nucleotide substitution at the +4 position of intron 10 of the BRCA2 gene. Splice site prediction tools are inconclusive regarding the impact of this variant on RNA splicing. To our knowledge, RNA studies have not been reported for this variant. This variant has not been reported in individuals affected with hereditary cancer in the literature. This variant has not been identified in the general population by the Genome Aggregation Database (gnomAD). The available evidence is insufficient to determine the role of this variant in disease conclusively. Therefore, this variant is classified as a Variant of Uncertain Significance.

This study involves interpretation of variants in research participants for the purpose of population health screening. Participant phenotype was not available at the time of variant classification. Additional details can be found in publication PMID: 35346344, PMCID: PMC8962531

Myriad Genetics, Inc.
Classification: Likely benign for Breast-ovarian cancer, familial, susceptibility to, 2. Last evaluated: 2023-02-09. Review status: criteria provided, single submitter. Criteria: Myriad Autosomal Dominant, Autosomal Recessive and X-Linked Classification Criteria (2023). Collection method: clinical testing. Allele origin: unknown.
Comment: This variant is considered likely benign. This variant is strongly associated with less severe personal and family histories of cancer, typical for individuals without pathogenic variants in this gene [PMID: 25085752].

Literature cited by the submitters: PubMed 25085752 (cited by Myriad Genetics, Inc.).